The following is an entry in ClinVar:

NM_032217.5(ANKRD17):c.5021+3T>C

Gene: ANKRD17 (ankyrin repeat domain 17; minus strand). Cytogenetic location: 4q13.3.
Variant type: single nucleotide variant.
Coding change: c.5021+3T>C on transcript NM_032217.5 (MANE Select); 3 bases into the intron after coding-DNA position 5021, T replaced by C.
Molecular consequence: intron variant.
Genome position (GRCh38, 1-based): chr4:73,098,070, A>G on the plus strand (T>C on the coding strand, the complement: ANKRD17 is on the minus strand). VCF-style: chr4-73098070-A-G. GRCh37 (hg19) VCF-style: chr4-73963787-A-G.
Other names: c.4268+3T>C (NM_198889.3); c.5018+3T>C (NM_015574.2); c.4682+3T>C (NM_001286771.3).
Identifiers: ClinVar variation 2291864 (VCV002291864.2), dbSNP rs1723523011, ClinGen allele CA1468027447.

ClinVar aggregate classification (germline): Uncertain significance (1 of 4 stars; one submission).

Conditions:
Inborn genetic diseases. Identifiers: MedGen C0950123, MeSH D030342.

Allele frequency attached by ClinVar (database versions not stated): TOPMed below 0.00001.

Submission:

Ambry Genetics
Classification: Uncertain significance for Inborn genetic diseases. Last evaluated: 2022-07-08. Review status: criteria provided, single submitter. Criteria: Ambry Variant Classification Scheme 2023. Collection method: clinical testing. Allele origin: germline.
Comment: The c.5021+3T>C intronic alteration consists of a T to C substitution nucleotides after coding exon 26 in the ANKRD17 gene. Based on insufficient or conflicting evidence, the clinical significance of this alteration remains unclear.